The following is an entry in ClinVar:

NM_152383.5(DIS3L2):c.1237G>T (p.Val413Leu)

Gene: DIS3L2 (DIS3 like 3'-5' exoribonuclease 2; plus strand). Cytogenetic location: 2q37.1.
Variant type: single nucleotide variant.
Coding change: c.1237G>T on transcript NM_152383.5 (MANE Select); coding-DNA position 1237, G replaced by T.
Protein change: p.Val413Leu; replaces valine 413 with leucine.
Molecular consequence: missense variant. On other transcripts: non-coding transcript variant (2).
Genome position (GRCh38, 1-based): chr2:232,238,565, G>T. VCF-style: chr2-232238565-G-T. GRCh37 (hg19) VCF-style: chr2-233103275-G-T.
Other names: c.1237G>T, p.Val413Leu (NM_001257281.2); short protein forms V413L.
Identifiers: ClinVar variation 650773 (VCV000650773.8), dbSNP rs1553539253, ClinGen allele CA351154623.

ClinVar aggregate classification (germline): Uncertain significance (1 of 4 stars; one submission).

Conditions:
Perlman syndrome (PRLMNS). Identifiers: Orphanet 2849, MedGen C0796113, MONDO:0009965, OMIM 267000.

Allele frequency attached by ClinVar (database versions not stated): TOPMed below 0.00001.

Submission:

Labcorp Genetics (formerly Invitae), Labcorp
Classification: Uncertain significance for Perlman syndrome. Last evaluated: 2022-07-15. Review status: criteria provided, single submitter. Criteria: Invitae Variant Classification Sherloc (09022015). Collection method: clinical testing. Allele origin: germline.
Comment: This sequence change replaces valine, which is neutral and non-polar, with leucine, which is neutral and non-polar, at codon 413 of the DIS3L2 protein (p.Val413Leu). This variant is not present in population databases (gnomAD no frequency). In summary, the available evidence is currently insufficient to determine the role of this variant in disease. Therefore, it has been classified as a Variant of Uncertain Significance. Algorithms developed to predict the effect of missense changes on protein structure and function are either unavailable or do not agree on the potential impact of this missense change (SIFT: "Deleterious"; PolyPhen-2: "Probably Damaging"; Align-GVGD: "Class C0"). ClinVar contains an entry for this variant (Variation ID: 650773). This variant has not been reported in the literature in individuals affected with DIS3L2-related conditions.